The following is an entry in ClinVar:

ClinVar aggregate classification (germline): Uncertain significance. Review status: criteria provided, multiple submitters, no conflicts (2 of 4 stars). 3 submissions from 3 submitters: Uncertain significance (3). Last evaluated 2025-02-01.

Conditions:
Inborn genetic diseases. Identifiers: MedGen C0950123, MeSH D030342.
Autosomal recessive nonsyndromic hearing loss 77. Identifiers: Orphanet 90636, MedGen C2746083, MONDO:0013119, OMIM 613079.

Allele frequency attached by ClinVar (database versions not stated): gnomAD exomes 0.00001 and 0.00002; gnomAD 0.00013 and 0.00015; TOPMed 0.00028.
gnomAD v4.1: 56 of 1,551,714 alleles (0.0036%); highest among the groups gnomAD compares: Admixed American, 0.041%; no homozygotes.

Submissions (3):

Ambry Genetics
Classification: Uncertain significance for Inborn genetic diseases. Last evaluated: 2025-02-01. Review status: criteria provided, single submitter. Criteria: Ambry Variant Classification Scheme 2023. Collection method: clinical testing. Allele origin: germline.

Labcorp Genetics (formerly Invitae), Labcorp
Classification: Uncertain significance. Last evaluated: 2022-03-11. Review status: criteria provided, single submitter. Criteria: Invitae Variant Classification Sherloc (09022015). Collection method: clinical testing. Allele origin: germline.
Comment: This sequence change replaces proline, which is neutral and non-polar, with leucine, which is neutral and non-polar, at codon 1879 of the LOXHD1 protein (p.Pro1879Leu). This variant is present in population databases (no rsID available, gnomAD 0.004%). This variant has not been reported in the literature in individuals affected with LOXHD1-related conditions. ClinVar contains an entry for this variant (Variation ID: 1029159). Algorithms developed to predict the effect of missense changes on protein structure and function are either unavailable or do not agree on the potential impact of this missense change (SIFT: "Deleterious"; PolyPhen-2: "Benign"; Align-GVGD: "Class C0"). In summary, the available evidence is currently insufficient to determine the role of this variant in disease. Therefore, it has been classified as a Variant of Uncertain Significance.

Baylor Genetics
Classification: Uncertain significance for Autosomal recessive nonsyndromic hearing loss 77. Last evaluated: 2020-10-26. Review status: criteria provided, single submitter. Criteria: ACMG Guidelines, 2015. Collection method: clinical testing. Allele origin: unknown. Affected: yes.
Comment: This variant was determined to be of uncertain significance according to ACMG Guidelines, 2015 [PMID:25741868].

NM_001384474.1(LOXHD1):c.5822C>T (p.Pro1941Leu)

Gene: LOXHD1 (lipoxygenase homology PLAT domains 1; minus strand). Cytogenetic location: 18q21.1.
Variant type: single nucleotide variant.
Coding change: c.5822C>T on transcript NM_001384474.1 (MANE Select); coding-DNA position 5822, C replaced by T.
Protein change: p.Pro1941Leu; replaces proline 1941 with leucine.
Molecular consequence: missense variant.
Genome position (GRCh38, 1-based): chr18:46,505,894, G>A on the plus strand (C>T on the coding strand, the complement: LOXHD1 is on the minus strand). VCF-style: chr18-46505894-G-A. GRCh37 (hg19) VCF-style: chr18-44085857-G-A.
Other names: c.2489C>T, p.Pro830Leu (NM_001145472.3); c.539C>T, p.Pro180Leu (NM_001145473.3, NM_001173129.2); c.2201C>T, p.Pro734Leu (NM_001308013.2); c.5636C>T, p.Pro1879Leu (NM_144612.7); short protein forms P1941L, P180L, P1879L, P830L, P734L.
Identifiers: ClinVar variation 1029159 (VCV001029159.4), dbSNP rs958951917, ClinGen allele CA299795956.